The following is an entry in ClinVar:

ClinVar aggregate classification (germline): Benign. Review status: criteria provided, multiple submitters, no conflicts (2 of 4 stars). 4 submissions from 4 submitters: Benign (4). Last evaluated 2026-01-14.

Conditions:
Microcytic anemia. Identifiers: MedGen C5194182, MONDO:0001245, HP:0001935. Disease mechanism: loss of function.

Allele frequency attached by ClinVar (database versions not stated): gnomAD exomes 0.00161 and 0.00414; ExAC 0.00499; gnomAD 0.01597 and 0.01709; 1000 Genomes Project 0.01657; 1000 Genomes Project 30x 0.01765; TOPMed 0.01780; ESP Exome Variant Server 0.01991.

Submissions (4):

Labcorp Genetics (formerly Invitae), Labcorp
Classification: Benign. Last evaluated: 2026-01-14. Review status: criteria provided, single submitter. Criteria: Invitae Variant Classification Sherloc (09022015). Collection method: clinical testing. Allele origin: germline.

Mayo Clinic Laboratories, Mayo Clinic
Classification: Benign. Last evaluated: 2023-04-30. Review status: criteria provided, single submitter. Criteria: ACMG Guidelines, 2015. Collection method: clinical testing. Allele origin: germline. Observed: 23 variant alleles.

Illumina Laboratory Services, Illumina
Classification: Benign for Iron-refractory iron deficiency anemia. Last evaluated: 2018-01-13. Review status: criteria provided, single submitter. Criteria: ICSL Variant Classification Criteria 13 December 2019. Collection method: clinical testing. Allele origin: germline.
Comment: This variant was observed in the ICSL laboratory as part of a predisposition screen in an ostensibly healthy population. It had not been previously curated by ICSL or reported in the Human Gene Mutation Database (HGMD: prior to June 1st, 2018), and was therefore a candidate for classification through an automated scoring system. Utilizing variant allele frequency, disease prevalence and penetrance estimates, and inheritance mode, an automated score was calculated to assess if this variant is too frequent to cause the disease. Based on the score and internal cut-off values, a variant classified as benign is not then subjected to further curation. The score for this variant resulted in a classification of benign for this disease.

Breakthrough Genomics
Classification: Benign. Review status: criteria provided, single submitter. Criteria: ACMG Guidelines, 2015. Collection method: not provided. Allele origin: germline. Inheritance: Autosomal recessive inheritance. Affected: yes.

NM_001374504.1(TMPRSS6):c.579A>C (p.Leu193=)

Gene: TMPRSS6 (transmembrane serine protease 6; minus strand). Cytogenetic location: 22q12.3.
Variant type: single nucleotide variant.
Coding change: c.579A>C on transcript NM_001374504.1 (MANE Select); coding-DNA position 579, A replaced by C.
Protein change: p.Leu193=; no amino-acid change (leucine 193 retained).
Molecular consequence: synonymous variant.
Genome position (GRCh38, 1-based): chr22:37,095,916, T>G on the plus strand (A>C on the coding strand, the complement: TMPRSS6 is on the minus strand). VCF-style: chr22-37095916-T-G. GRCh37 (hg19) VCF-style: chr22-37491956-T-G.
Other names: p.Leu202=; c.579A>C, p.Leu193= (NM_001289000.2, NM_001289001.2, NM_153609.4).
Identifiers: ClinVar variation 341599 (VCV000341599.16), dbSNP rs79013645, ClinGen allele CA10216035.